The following is an entry in ClinVar:

NM_032043.3(BRIP1):c.946G>A (p.Val316Ile)

Gene: BRIP1 (BRCA1 interacting DNA helicase 1; minus strand). Cytogenetic location: 17q23.2.
Variant type: single nucleotide variant.
Coding change: c.946G>A on transcript NM_032043.3 (MANE Select); coding-DNA position 946, G replaced by A.
Protein change: p.Val316Ile; replaces valine 316 with isoleucine.
Molecular consequence: missense variant.
Genome position (GRCh38, 1-based): chr17:61,801,447, C>T on the plus strand (G>A on the coding strand, the complement: BRIP1 is on the minus strand). VCF-style: chr17-61801447-C-T. GRCh37 (hg19) VCF-style: chr17-59878808-C-T.
Other names: short protein forms V316I.
Identifiers: ClinVar variation 4783586 (VCV004783586.2).

ClinVar aggregate classification (germline): Uncertain significance. Review status: criteria provided, multiple submitters, no conflicts (2 of 4 stars). 2 submissions from 2 submitters: Uncertain significance (2). Last evaluated 2026-07-06.

Conditions:
Fanconi anemia complementation group J. Also called: BRIP1-Related Fanconi Anemia. Identifiers: Orphanet 84, MedGen C1836860, MONDO:0012187, OMIM 609054.
Familial cancer of breast. Also called: BREAST CANCER, FAMILIAL; Hereditary breast cancer; hereditary breast carcinoma. Identifiers: Orphanet 227535, MedGen C0346153, MONDO:0016419, OMIM 114480. Disease mechanism: loss of function.
Hereditary cancer-predisposing syndrome. Also called: Hereditary Cancer Syndrome; Hereditary neoplastic syndrome; Neoplastic Syndromes, Hereditary; Tumor predisposition. Identifiers: Orphanet 140162, MedGen C0027672, MeSH D009386, MONDO:0015356.

gnomAD v4.1: 1 of 1,613,148 alleles (0.000062%); highest among the groups gnomAD compares: Non-Finnish European, 0.000085%; no homozygotes.

Submissions (2):

Ambry Genetics
Classification: Uncertain significance for Hereditary cancer-predisposing syndrome. Last evaluated: 2026-07-06. Review status: criteria provided, single submitter. Criteria: Ambry Variant Classification Scheme 2023. Collection method: clinical testing. Allele origin: germline.
Comment: The p.V316I variant (also known as c.946G>A), located in coding exon 7 of the BRIP1 gene, results from a G to A substitution at nucleotide position 946. The valine at codon 316 is replaced by isoleucine, an amino acid with highly similar properties. This amino acid position is conserved. In addition, this alteration is predicted to be tolerated by in silico analysis. Based on the available evidence, the clinical significance of this variant remains unclear.

Labcorp Genetics (formerly Invitae), Labcorp
Classification: Uncertain significance for Familial cancer of breast; Fanconi anemia complementation group J. Last evaluated: 2025-03-30. Review status: criteria provided, single submitter. Criteria: Invitae Variant Classification Sherloc (09022015). Collection method: clinical testing. Allele origin: germline.
Comment: This sequence change replaces valine, which is neutral and non-polar, with isoleucine, which is neutral and non-polar, at codon 316 of the BRIP1 protein (p.Val316Ile). This variant is not present in population databases (gnomAD no frequency). This variant has not been reported in the literature in individuals affected with BRIP1-related conditions. Invitae Evidence Modeling of protein sequence and biophysical properties (such as structural, functional, and spatial information, amino acid conservation, physicochemical variation, residue mobility, and thermodynamic stability) indicates that this missense variant is not expected to disrupt BRIP1 protein function with a negative predictive value of 95%. In summary, the available evidence is currently insufficient to determine the role of this variant in disease. Therefore, it has been classified as a Variant of Uncertain Significance.